The following is an entry in ClinVar:

NM_144997.7(FLCN):c.397-12G>T

Gene: FLCN (folliculin; minus strand). Cytogenetic location: 17p11.2.
Variant type: single nucleotide variant.
Coding change: c.397-12G>T on transcript NM_144997.7 (MANE Select); 12 bases into the intron before coding-DNA position 397, G replaced by T.
Molecular consequence: intron variant.
Genome position (GRCh38, 1-based): chr17:17,224,155, C>A on the plus strand (G>T on the coding strand, the complement: FLCN is on the minus strand). VCF-style: chr17-17224155-C-A. GRCh37 (hg19) VCF-style: chr17-17127469-C-A.
Other names: c.397-12G>T (NM_001353231.2, NM_001353230.2, NM_144606.7 and 1 more transcripts); c.451-12G>T (NM_001353229.2).
Identifiers: ClinVar variation 513261 (VCV000513261.14), dbSNP rs199958635, ClinGen allele CA8416404.

ClinVar aggregate classification (germline): Benign/Likely benign. Review status: criteria provided, multiple submitters, no conflicts (2 of 4 stars). 6 submissions from 6 submitters: Benign (2); Likely benign (4). Last evaluated 2026-01-25.

Conditions:
Birt-Hogg-Dube syndrome 1 (BHD1). Also called: FIBROFOLLICULOMAS WITH TRICHODISCOMAS AND ACROCHORDONS. Identifiers: Orphanet 122, MedGen CN375946, MONDO:0800445, OMIM 135150.
Hereditary cancer-predisposing syndrome. Also called: Hereditary Cancer Syndrome; Tumor predisposition; Hereditary neoplastic syndrome; Neoplastic Syndromes, Hereditary. Identifiers: Orphanet 140162, MedGen C0027672, MeSH D009386, MONDO:0015356.
Birt-Hogg-Dube syndrome. Also called: Birt Hogg Dubé syndrome. Identifiers: Orphanet 122, MedGen C0346010, MONDO:0800444.

Allele frequency attached by ClinVar (database versions not stated): ExAC 0.00033; gnomAD 0.00058 and 0.00063; 1000 Genomes Project 0.00060; ESP Exome Variant Server 0.00062; TOPMed 0.00077; 1000 Genomes Project 30x 0.00078.
gnomAD v4.1: 187 of 1,570,012 alleles (0.012%); highest among the groups gnomAD compares: African/African-American, 0.21%; no homozygotes.

Submissions (6):

Labcorp Genetics (formerly Invitae), Labcorp
Classification: Benign for Birt-Hogg-Dube syndrome. Last evaluated: 2026-01-25. Review status: criteria provided, single submitter. Criteria: Invitae Variant Classification Sherloc (09022015). Collection method: clinical testing. Allele origin: germline.

Center for Genomic Medicine, Rigshospitalet, Copenhagen University Hospital
Classification: Likely benign. Last evaluated: 2025-03-04. Review status: criteria provided, single submitter. Criteria: ACMG Guidelines, 2015. Collection method: clinical testing. Allele origin: germline.

Myriad Genetics, Inc.
Classification: Benign for Birt-Hogg-Dube syndrome 1. Last evaluated: 2024-09-04. Review status: criteria provided, single submitter. Criteria: Myriad Autosomal Dominant, Autosomal Recessive and X-Linked Classification Criteria (2023). Collection method: clinical testing. Allele origin: unknown.
Comment: This variant is considered benign. This variant is intronic and is not expected to impact mRNA splicing. This variant has been observed at a population frequency that is significantly greater than expected given the associated disease prevalence and penetrance.

Blueprint Genetics
Classification: Likely benign. Last evaluated: 2024-08-06. Review status: criteria provided, single submitter. Criteria: ACMG Guidelines, 2015. Collection method: clinical testing. Allele origin: germline.

Sema4
Classification: Likely benign for Hereditary cancer-predisposing syndrome. Last evaluated: 2021-07-08. Review status: criteria provided, single submitter. Criteria: Sema4 Curation Guidelines. Collection method: curation. Allele origin: germline.

GeneDx
Classification: Likely benign. Last evaluated: 2020-10-30. Review status: criteria provided, single submitter. Criteria: GeneDx Variant Classification Process June 2021. Collection method: clinical testing. Allele origin: germline. Affected: yes.